The following is an entry in ClinVar:

NM_001040108.2(MLH3):c.2174A>T (p.Asn725Ile)

Gene: MLH3 (mutL homolog 3; minus strand). Cytogenetic location: 14q24.3.
Variant type: single nucleotide variant.
Coding change: c.2174A>T on transcript NM_001040108.2 (MANE Select); coding-DNA position 2174, A replaced by T.
Protein change: p.Asn725Ile; replaces asparagine 725 with isoleucine.
Molecular consequence: missense variant.
Genome position (GRCh38, 1-based): chr14:75,047,482, T>A on the plus strand (A>T on the coding strand, the complement: MLH3 is on the minus strand). VCF-style: chr14-75047482-T-A. GRCh37 (hg19) VCF-style: chr14-75514185-T-A.
Other names: c.2174A>T, p.Asn725Ile (NM_014381.3); short protein forms N725I.
Identifiers: ClinVar variation 1787154 (VCV001787154.2), dbSNP rs772538373, ClinGen allele CA390441325.

ClinVar aggregate classification (germline): Uncertain significance (1 of 4 stars; one submission).

Submission:

Ambry Genetics
Classification: Uncertain significance. Last evaluated: 2022-05-09. Review status: criteria provided, single submitter. Criteria: Ambry Variant Classification Scheme 2023. Collection method: clinical testing. Allele origin: germline.
Comment: The p.N725I variant (also known as c.2174A>T), located in coding exon 1 of the MLH3 gene, results from an A to T substitution at nucleotide position 2174. The asparagine at codon 725 is replaced by isoleucine, an amino acid with dissimilar properties. This amino acid position is conserved. In addition, this alteration is predicted to be tolerated by in silico analysis. Since supporting evidence is limited at this time, the clinical significance of this alteration remains unclear.